The following is an entry in ClinVar:

NM_005120.3(MED12):c.158G>A (p.Gly53Glu)

Gene: MED12 (mediator complex subunit 12; plus strand). Cytogenetic location: Xq13.1.
Variant type: single nucleotide variant.
Coding change: c.158G>A on transcript NM_005120.3 (MANE Select); coding-DNA position 158, G replaced by A.
Protein change: p.Gly53Glu; replaces glycine 53 with glutamic acid.
Molecular consequence: missense variant.
Genome position (GRCh38, 1-based): chrX:71,119,431, G>A. VCF-style: chrX-71119431-G-A. GRCh37 (hg19) VCF-style: chrX-70339281-G-A.
Other names: short protein forms G53E.
Identifiers: ClinVar variation 3634942 (VCV003634942.2).

ClinVar aggregate classification (germline): Uncertain significance (1 of 4 stars; one submission).

Conditions:
FG syndrome (FGS). Identifiers: MedGen C0220769, MONDO:0002010.

Submission:

Labcorp Genetics (formerly Invitae), Labcorp
Classification: Uncertain significance for FG syndrome. Last evaluated: 2025-01-07. Review status: criteria provided, single submitter. Criteria: Invitae Variant Classification Sherloc (09022015). Collection method: clinical testing. Allele origin: germline.
Comment: This sequence change replaces glycine, which is neutral and non-polar, with glutamic acid, which is acidic and polar, at codon 53 of the MED12 protein (p.Gly53Glu). This variant is not present in population databases (gnomAD no frequency). This variant has not been reported in the literature in individuals affected with MED12-related conditions. Invitae Evidence Modeling of protein sequence and biophysical properties (such as structural, functional, and spatial information, amino acid conservation, physicochemical variation, residue mobility, and thermodynamic stability) indicates that this missense variant is not expected to disrupt MED12 protein function with a negative predictive value of 95%. In summary, the available evidence is currently insufficient to determine the role of this variant in disease. Therefore, it has been classified as a Variant of Uncertain Significance.